The following is an entry in ClinVar:

ClinVar aggregate classification (germline): Pathogenic/Likely pathogenic. Review status: criteria provided, multiple submitters, no conflicts (2 of 4 stars). 2 submissions from 2 submitters: Pathogenic (1); Likely pathogenic (1). Last evaluated 2026-09-25.

Conditions:
Myopathy, proximal, and ophthalmoplegia (CMYO6). Also called: MYOPATHY WITH CONGENITAL JOINT CONTRACTURES, OPHTHALMOPLEGIA, AND RIMMED VACUOLES; CONGENITAL MYOPATHY 6 WITH OPHTHALMOPLEGIA; INCLUSION BODY MYOPATHY 3, AUTOSOMAL DOMINANT. Identifiers: Orphanet 363677, Orphanet 79091, MedGen C1854106, MONDO:0011577, OMIM 605637.

Submissions (2):

GeneDx
Classification: Likely pathogenic. Last evaluated: 2026-09-25. Review status: criteria provided, single submitter. Criteria: GeneDx Variant Classification Process June 2021. Collection method: clinical testing. Allele origin: germline.
Comment: Not observed at significant frequency in large population cohorts (gnomAD); Has not been previously published as pathogenic or benign to our knowledge; Frameshift variant predicted to result in abnormal protein length as the last 77 amino acid(s) are replaced with 8 different amino acid(s), and other similar variants have been reported in HGMD

Labcorp Genetics (formerly Invitae), Labcorp
Classification: Pathogenic for Myopathy, proximal, and ophthalmoplegia. Last evaluated: 2026-01-21. Review status: criteria provided, single submitter. Criteria: Invitae Variant Classification Sherloc (09022015). Collection method: clinical testing. Allele origin: germline.
Comment: This sequence change creates a premature translational stop signal (p.Lys1865Ilefs*9) in the MYH2 gene. It is expected to result in an absent or disrupted protein product. Loss-of-function variants in MYH2 are known to be pathogenic (PMID: 20418530, 23388406, 24193343). This variant is present in population databases (no rsID available, gnomAD 0.003%). This variant has not been reported in the literature in individuals affected with MYH2-related conditions. ClinVar contains an entry for this variant (Variation ID: 848040). For these reasons, this variant has been classified as Pathogenic.

Literature cited by the submitters: PubMed 20418530 (cited by Labcorp Genetics (formerly Invitae), Labcorp); PubMed 23388406 (cited by Labcorp Genetics (formerly Invitae), Labcorp); PubMed 24193343 (cited by Labcorp Genetics (formerly Invitae), Labcorp).

NM_017534.6(MYH2):c.5594_5597del (p.Lys1865fs)

Genes: MYH2 (myosin heavy chain 2; minus strand), MYHAS (myosin heavy chain gene cluster antisense RNA; plus strand). Cytogenetic location: 17p13.1.
Variant type: Microsatellite.
Coding change: c.5594_5597del on transcript NM_017534.6 (MANE Select); coding-DNA positions 5594 to 5597, 4 bases deleted (AGAA; older notation c.5594_5597delAGAA).
Protein change: p.Lys1865fs; shifts the reading frame from lysine 1865.
Molecular consequence: frameshift variant.
Genome position (GRCh38, 1-based): chr17:10,523,166-10,523,169, TTCT deleted on the plus strand (AGAA on the coding strand, the reverse complement: MYH2 is on the minus strand); deleting any 4 consecutive bases within chr17:10,523,166-10,523,173 gives the same sequence; the c. name uses the placement nearest the transcript's 3' end. VCF-style (leftmost placement, unchanged base first): chr17-10523165-ATTCT-A. GRCh37 (hg19) VCF-style: chr17-10426482-ATTCT-A.
Other names: c.5594_5597delAGAA (NM_017534.5); c.5594_5597del, p.Lys1865fs (NM_001100112.2); short protein forms K1865fs.
Identifiers: ClinVar variation 848040 (VCV000848040.11), dbSNP rs1567726515, ClinGen allele CA625088200.